The following is an entry in ClinVar:

ClinVar aggregate classification (germline): Conflicting classifications of pathogenicity. Review status: criteria provided, conflicting classifications (1 of 4 stars). 10 submissions from 10 submitters: Uncertain significance (8); Benign (1); Likely benign (1). Last evaluated 2026-04-13.

Conditions:
Cardiovascular phenotype. Identifiers: MedGen CN230736.
TTN-related disorder. Also called: TTN-related disorders; TTN-related condition; TTN-related disease.
Autosomal recessive limb-girdle muscular dystrophy type 2J (LGMDR10). Also called: Limb-girdle muscular dystrophy, type 2J; MUSCULAR DYSTROPHY, LIMB-GIRDLE, AUTOSOMAL RECESSIVE 10. Identifiers: Orphanet 140922, MedGen C1837342, MONDO:0012127, OMIM 608807.
Dilated cardiomyopathy 1G (CMD1G). Identifiers: Orphanet 154, MedGen C1858763, MONDO:0011400, OMIM 604145.
Myopathy, myofibrillar, 9, with early respiratory failure (MFM9). Also called: EDSTROM MYOPATHY; MYOPATHY, PROXIMAL, WITH EARLY RESPIRATORY MUSCLE INVOLVEMENT; Hereditary myopathy with early respiratory failure; Myopathy, distal, with early respiratory failure, autosomal dominant. Identifiers: Orphanet 178464, Orphanet 34521, MedGen C1863599, MONDO:0011362, OMIM 603689.
Hypertrophic cardiomyopathy 9. Also called: Familial hypertrophic cardiomyopathy 9. Identifiers: MedGen C1861065, MONDO:0013412, OMIM 613765.
Tibial muscular dystrophy (TMD). Also called: Udd Distal Myopathy – Tibial Muscular Dystrophy; UDD MYOPATHY; Tibial muscular dystrophy, tardive. Identifiers: Orphanet 609, MedGen C1838244, MONDO:0010870, OMIM 600334.
Early-onset myopathy with fatal cardiomyopathy (CMYO5). Also called: Salih Myopathy; CONGENITAL MYOPATHY 5 WITH CARDIOMYOPATHY. Identifiers: Orphanet 289377, MedGen C2673677, MONDO:0012714, OMIM 611705. Disease mechanism: loss of function.

Allele frequency attached by ClinVar (database versions not stated): ExAC 0.00008; gnomAD 0.00013 and 0.00014; TOPMed 0.00014.
gnomAD v4.1: 194 of 1,613,232 alleles (0.012%); highest among the groups gnomAD compares: Non-Finnish European, 0.015%; no homozygotes.

Submissions (10):

PreventionGenetics, part of Exact Sciences
Classification: Uncertain significance for TTN-related condition. Last evaluated: 2026-04-13. Review status: criteria provided, single submitter. Criteria: ACMG Guidelines, 2015. Collection method: clinical testing. Allele origin: germline.
Comment: The TTN c.80666A>G variant is predicted to result in the amino acid substitution p.Tyr26889Cys. This variant has been reported as a variant of uncertain significance in individuals with cardiomyopathy (referred to as NM_133378:c.72962A>G (p.Tyr24321Cys) in Supplementary file 2, van Lint et al. 2019. PubMed ID: 30847666; Supplemental Table 4, Verdonschot et al. 2020. PubMed ID: 32880476). This variant is reported in 0.024% of alleles in individuals of European (Non-Finnish) descent in gnomAD. Although we suspect that this variant may be benign, at this time, the clinical significance of this variant is uncertain due to the absence of conclusive functional and genetic evidence.

Molecular Diagnostic Laboratory for Inherited Cardiovascular Disease, Montreal Heart Institute
Classification: Likely benign. Last evaluated: 2025-07-24. Review status: criteria provided, single submitter. Criteria: ACMG Guidelines, 2015. Collection method: clinical testing. Allele origin: germline. Affected: no.
Comment: BP1

Women's Health and Genetics/Laboratory Corporation of America, LabCorp
Classification: Uncertain significance. Last evaluated: 2025-06-27. Review status: criteria provided, single submitter. Criteria: LabCorp Variant Classification Summary - May 2015. Collection method: clinical testing. Allele origin: germline.
Comment: Variant summary: TTN c.72962A>G (p.Tyr24321Cys) results in a non-conservative amino acid change in the encoded protein sequence. Algorithms developed to predict the effect of missense changes on protein structure and function are either unavailable or do not agree on the potential impact of this missense change. The variant allele was found at a frequency of 0.00012 in 248430 control chromosomes. This frequency is not significantly higher than estimated for a pathogenic variant in TTN causing Dilated Cardiomyopathy (0.00012 vs 0.00039), allowing no conclusion about variant significance. c.72962A>G has been observed in at least one individual affected with unspecified Cardiomyopathy (VanLint_2019). These report(s) do not provide unequivocal conclusions about association of the variant with Dilated Cardiomyopathy. To our knowledge, no experimental evidence demonstrating an impact on protein function has been reported. The following publication have been ascertained in the context of this evaluation (PMID: 30847666). ClinVar contains an entry for this variant (Variation ID: 283306). Based on the evidence outlined above, the variant was classified as uncertain significance.

Ambry Genetics
Classification: Benign for Cardiovascular phenotype. Last evaluated: 2024-07-22. Review status: criteria provided, single submitter. Criteria: Ambry Variant Classification Scheme 2023. Collection method: clinical testing. Allele origin: germline.

CeGaT Center for Human Genetics Tuebingen
Classification: Uncertain significance. Last evaluated: 2024-05-01. Review status: criteria provided, single submitter. Criteria: CeGaT Center For Human Genetics Tuebingen Variant Classification Criteria Version 2. Collection method: clinical testing. Allele origin: germline. Affected: yes. Observed: 2 variant alleles.
Comment: TTN: PM2

Mayo Clinic Laboratories, Mayo Clinic
Classification: Uncertain significance. Last evaluated: 2023-06-14. Review status: criteria provided, single submitter. Criteria: ACMG Guidelines, 2015. Collection method: clinical testing. Allele origin: germline. Observed: 1 variant allele.

Revvity Omics, Revvity
Classification: Uncertain significance. Last evaluated: 2022-08-16. Review status: criteria provided, single submitter. Criteria: ACMG Guidelines, 2015. Collection method: clinical testing. Allele origin: germline.

Fulgent Genetics
Classification: Uncertain significance for Tibial muscular dystrophy; Myopathy, myofibrillar, 9, with early respiratory failure; Dilated cardiomyopathy 1G; Autosomal recessive limb-girdle muscular dystrophy type 2J; Early-onset myopathy with fatal cardiomyopathy; Hypertrophic cardiomyopathy 9. Last evaluated: 2021-11-03. Review status: criteria provided, single submitter. Criteria: ACMG Guidelines, 2015. Collection method: clinical testing. Allele origin: unknown.

Labcorp Genetics (formerly Invitae), Labcorp
Classification: Uncertain significance for Dilated cardiomyopathy 1G; Autosomal recessive limb-girdle muscular dystrophy type 2J. Last evaluated: 2017-10-23. Review status: criteria provided, single submitter. Criteria: Invitae Variant Classification Sherloc (09022015). Collection method: clinical testing. Allele origin: germline.

Eurofins Ntd Llc (ga)
Classification: Uncertain significance. Last evaluated: 2015-09-15. Review status: criteria provided, single submitter. Criteria: EGL Classification Definitions 2015. Collection method: clinical testing. Allele origin: germline. Observed: 3 variant alleles, 3 heterozygotes.

Literature cited by the submitters: PubMed 30847666 (cited by Women's Health and Genetics/Laboratory Corporation of America, LabCorp).

NM_001267550.2(TTN):c.80666A>G (p.Tyr26889Cys)

Genes: TTN (titin; minus strand), TTN-AS1 (TTN antisense RNA 1; plus strand). Cytogenetic location: 2q31.2.
Variant type: single nucleotide variant.
Coding change: c.80666A>G on transcript NM_001267550.2 (MANE Select); coding-DNA position 80666, A replaced by G.
Protein change: p.Tyr26889Cys; replaces tyrosine 26889 with cysteine.
Molecular consequence: missense variant.
Genome position (GRCh38, 1-based): chr2:178,565,466, T>C on the plus strand (A>G on the coding strand, the complement: TTN is on the minus strand). VCF-style: chr2-178565466-T-C. GRCh37 (hg19) VCF-style: chr2-179430193-T-C.
Other names: p.Tyr24321Cys; c.75743A>G, p.Tyr25248Cys (NM_001256850.1); c.53471A>G, p.Tyr17824Cys (NM_003319.4); c.72962A>G, p.Tyr24321Cys (NM_133378.4); c.53846A>G, p.Tyr17949Cys (NM_133432.3); c.54047A>G, p.Tyr18016Cys (NM_133437.4); short protein forms Y24321C, Y26889C, Y17824C, Y17949C, Y18016C, Y25248C.
Identifiers: ClinVar variation 283306 (VCV000283306.61), dbSNP rs571328201, ClinGen allele CA1989318.